The following is an entry in ClinVar:

NM_019066.5(MAGEL2):c.1446_1466dup (p.Pro491_Leu492insValIleArgGlnAlaProPro)

Gene: MAGEL2 (MAGE family member L2; minus strand). Cytogenetic location: 15q11.2.
Variant type: Duplication.
Coding change: c.1446_1466dup on transcript NM_019066.5 (MANE Select); coding-DNA positions 1446 to 1466, 21 bases duplicated (TCCACCTGTGATCCGCCAGGC).
Protein change: p.Pro491_Leu492insValIleArgGlnAlaProPro.
Molecular consequence: inframe insertion.
Genome position (GRCh38, 1-based): chr15:23,646,277-23,646,297, GCCTGGCGGATCACAGGTGGA duplicated on the plus strand (TCCACCTGTGATCCGCCAGGC on the coding strand, the reverse complement: MAGEL2 is on the minus strand); duplicating any 21 consecutive bases within chr15:23,646,277-23,646,317 gives the same sequence; the c. name uses the placement nearest the transcript's 3' end. VCF-style (leftmost placement, unchanged base first): chr15-23646276-G-GGCCTGGCGGATCACAGGTGGA. GRCh37 (hg19) VCF-style: chr15-23891423-G-GGCCTGGCGGATCACAGGTGGA.
Identifiers: ClinVar variation 3353993 (VCV003353993.1).
Genomic context (GRCh38, chr15:23,646,276, plus strand): 5'-GGTGGCCAGGACCTGTGGGGCAGGTCGGATGGGCGGCGGCGCCTGGCGGATCAGCGGCGG[G>GGCCTGGCGGATCACAGGTGGA]GCCTGGCGGATCACAGGTGGAGCCTGGCGGATCACAGGTGGGGCCTGGCGGATCACAGGT-3'

ClinVar aggregate classification (germline): Uncertain significance (0 of 4 stars; one submission).

Conditions:
MAGEL2-related disorder. Also called: MAGEL2-related condition.

Submission:

PreventionGenetics, part of Exact Sciences
Classification: Uncertain significance for MAGEL2-related condition. Last evaluated: 2024-05-18. Review status: no assertion criteria provided. Collection method: clinical testing. Allele origin: germline.
Comment: The MAGEL2 c.1446_1466dup21 variant is predicted to result in an in-frame duplication (p.Val485_Pro491dup). To our knowledge, this variant has not been reported in the literature or in a large population database, indicating this variant is rare. At this time, the clinical significance of this variant is uncertain due to the absence of conclusive functional and genetic evidence.